The following is an entry in ClinVar:

ClinVar aggregate classification (germline): Uncertain significance (1 of 4 stars; one submission).

Allele frequency attached by ClinVar (database versions not stated): gnomAD exomes below 0.00001; gnomAD 0.00001.
gnomAD v4.1: 4 of 1,613,620 alleles (0.00025%); highest among the groups gnomAD compares: Admixed American, 0.0017%; no homozygotes.

Submission:

Labcorp Genetics (formerly Invitae), Labcorp
Classification: Uncertain significance. Last evaluated: 2021-08-31. Review status: criteria provided, single submitter. Criteria: Invitae Variant Classification Sherloc (09022015). Collection method: clinical testing. Allele origin: germline.
Comment: This sequence change replaces isoleucine with valine at codon 534 of the P3H2 protein (p.Ile534Val). The isoleucine residue is moderately conserved and there is a small physicochemical difference between isoleucine and valine. This variant is not present in population databases (ExAC no frequency). This variant has not been reported in the literature in individuals affected with P3H2-related conditions. Algorithms developed to predict the effect of missense changes on protein structure and function output the following: SIFT: "Tolerated"; PolyPhen-2: "Benign"; Align-GVGD: "Class C0". The valine amino acid residue is found in multiple mammalian species, which suggests that this missense change does not adversely affect protein function. Algorithms developed to predict the effect of sequence changes on RNA splicing suggest that this variant may create or strengthen a splice site. In summary, the available evidence is currently insufficient to determine the role of this variant in disease. Therefore, it has been classified as a Variant of Uncertain Significance.

NM_018192.4(P3H2):c.1600A>G (p.Ile534Val)

Gene: P3H2 (prolyl 3-hydroxylase 2; minus strand). Cytogenetic location: 3q28.
Variant type: single nucleotide variant.
Coding change: c.1600A>G on transcript NM_018192.4 (MANE Select); coding-DNA position 1600, A replaced by G.
Protein change: p.Ile534Val; replaces isoleucine 534 with valine.
Molecular consequence: missense variant.
Genome position (GRCh38, 1-based): chr3:189,972,973, T>C on the plus strand (A>G on the coding strand, the complement: P3H2 is on the minus strand). VCF-style: chr3-189972973-T-C. GRCh37 (hg19) VCF-style: chr3-189690762-T-C.
Other names: c.1057A>G, p.Ile353Val (NM_001134418.2); short protein forms I353V, I534V.
Identifiers: ClinVar variation 1015719 (VCV001015719.2), dbSNP rs1234577843, ClinGen allele CA355753401.